The following is an entry in ClinVar:

NM_001666.5(ARHGAP4):c.2217C>A (p.Pro739=)

Gene: ARHGAP4 (Rho GTPase activating protein 4; minus strand). Cytogenetic location: Xq28.
Variant type: single nucleotide variant.
Coding change: c.2217C>A on transcript NM_001666.5 (MANE Select); coding-DNA position 2217, C replaced by A.
Protein change: p.Pro739=; no amino-acid change (proline 739 retained).
Molecular consequence: synonymous variant.
Genome position (GRCh38, 1-based): chrX:153,910,025, G>T on the plus strand (C>A on the coding strand, the complement: ARHGAP4 is on the minus strand). VCF-style: chrX-153910025-G-T. GRCh37 (hg19) VCF-style: chrX-153175479-G-T.
Other names: c.2337C>A, p.Pro779= (NM_001164741.2).
Identifiers: ClinVar variation 2661753 (VCV002661753.24), dbSNP rs549301187, ClinGen allele CA10555430.

ClinVar aggregate classification (germline): Likely benign (1 of 4 stars; one submission).

Allele frequency attached by ClinVar (database versions not stated): ExAC 0.00001.
gnomAD v4.1: 17 of 1,211,285 alleles (0.0014%); highest among the groups gnomAD compares: South Asian, 0.0053%; no homozygotes.

Submission:

CeGaT Center for Human Genetics Tuebingen
Classification: Likely benign. Last evaluated: 2022-10-01. Review status: criteria provided, single submitter. Criteria: CeGaT Center For Human Genetics Tuebingen Variant Classification Criteria Version 2. Collection method: clinical testing. Allele origin: germline. Affected: yes. Observed: 1 variant allele.
Comment: ARHGAP4: BP4, BP7